The following is an entry in ClinVar:

ClinVar aggregate classification (germline): Uncertain significance. Review status: criteria provided, multiple submitters, no conflicts (2 of 4 stars). 2 submissions from 2 submitters: Uncertain significance (2). Last evaluated 2025-01-07.

Conditions:
Inborn genetic diseases. Identifiers: MedGen C0950123, MeSH D030342.

gnomAD v4.1: 9 of 1,613,692 alleles (0.00056%); highest among the groups gnomAD compares: Non-Finnish European, 0.00076%; no homozygotes.

Submissions (2):

Labcorp Genetics (formerly Invitae), Labcorp
Classification: Uncertain significance. Last evaluated: 2025-01-07. Review status: criteria provided, single submitter. Criteria: Invitae Variant Classification Sherloc (09022015). Collection method: clinical testing. Allele origin: germline.
Comment: This sequence change replaces threonine, which is neutral and polar, with alanine, which is neutral and non-polar, at codon 543 of the ACAN protein (p.Thr543Ala). This variant is not present in population databases (gnomAD no frequency). This variant has not been reported in the literature in individuals affected with ACAN-related conditions. ClinVar contains an entry for this variant (Variation ID: 2597647). Invitae Evidence Modeling of protein sequence and biophysical properties (such as structural, functional, and spatial information, amino acid conservation, physicochemical variation, residue mobility, and thermodynamic stability) indicates that this missense variant is not expected to disrupt ACAN protein function with a negative predictive value of 80%. In summary, the available evidence is currently insufficient to determine the role of this variant in disease. Therefore, it has been classified as a Variant of Uncertain Significance.

Ambry Genetics
Classification: Uncertain significance for Inborn genetic diseases. Last evaluated: 2023-06-21. Review status: criteria provided, single submitter. Criteria: Ambry Variant Classification Scheme 2023. Collection method: clinical testing. Allele origin: germline.

NM_001369268.1(ACAN):c.1627A>G (p.Thr543Ala)

Gene: ACAN (aggrecan; plus strand). Cytogenetic location: 15q26.1.
Variant type: single nucleotide variant.
Coding change: c.1627A>G on transcript NM_001369268.1 (MANE Select); coding-DNA position 1627, A replaced by G.
Protein change: p.Thr543Ala; replaces threonine 543 with alanine.
Molecular consequence: missense variant.
Genome position (GRCh38, 1-based): chr15:88,847,933, A>G. VCF-style: chr15-88847933-A-G. GRCh37 (hg19) VCF-style: chr15-89391164-A-G.
Other names: c.1627A>G, p.Thr543Ala (NM_001135.4, NM_001411096.1, NM_001411097.1 and 1 more transcripts); short protein forms T543A.
Identifiers: ClinVar variation 2597647 (VCV002597647.4), dbSNP rs2505275747, ClinGen allele CA393710908.
Genomic context (GRCh38, chr15:88,847,933, plus strand): 5'-AACAGGCCTTCATCTTCTCCTCCCACTCTCCTTTGCAGATACCCCATTGTGAGCCCCCGG[A>G]CCCCATGCGTGGGTGACAAGGACAGCAGCCCAGGGGTCAGGACCTATGGCGTGCGCCCAT-3'
Protein context (NP_001356197.1, residues 533-553): TVRYPIVSPR[Thr543Ala]PCVGDKDSSP